The following is an entry in ClinVar:

ClinVar aggregate classification (germline): Uncertain significance (1 of 4 stars; one submission).

Conditions:
Osteogenesis imperfecta type 8 (OI8). Identifiers: MedGen C1970458, MONDO:0012581, OMIM 610915.

gnomAD v4.1: 11 of 1,614,216 alleles (0.00068%); highest among the groups gnomAD compares: Non-Finnish European, 0.00076%; no homozygotes.

Submission:

Labcorp Genetics (formerly Invitae), Labcorp
Classification: Uncertain significance for Osteogenesis imperfecta type 8. Last evaluated: 2021-08-28. Review status: criteria provided, single submitter. Criteria: Invitae Variant Classification Sherloc (09022015). Collection method: clinical testing. Allele origin: germline.
Comment: This sequence change replaces isoleucine with asparagine at codon 356 of the P3H1 protein (p.Ile356Asn). The isoleucine residue is highly conserved and there is a large physicochemical difference between isoleucine and asparagine. This variant is not present in population databases (ExAC no frequency). This variant has not been reported in the literature in individuals affected with P3H1-related conditions. Algorithms developed to predict the effect of missense changes on protein structure and function are either unavailable or do not agree on the potential impact of this missense change (SIFT: "Deleterious"; PolyPhen-2: "Possibly Damaging"; Align-GVGD: "Class C0"). In summary, the available evidence is currently insufficient to determine the role of this variant in disease. Therefore, it has been classified as a Variant of Uncertain Significance.

NM_022356.4(P3H1):c.1067T>A (p.Ile356Asn)

Gene: P3H1 (prolyl 3-hydroxylase 1; minus strand). Cytogenetic location: 1p34.2.
Variant type: single nucleotide variant.
Coding change: c.1067T>A on transcript NM_022356.4 (MANE Select); coding-DNA position 1067, T replaced by A.
Protein change: p.Ile356Asn; replaces isoleucine 356 with asparagine.
Molecular consequence: missense variant.
Genome position (GRCh38, 1-based): chr1:42,757,796, A>T on the plus strand (T>A on the coding strand, the complement: P3H1 is on the minus strand). VCF-style: chr1-42757796-A-T. GRCh37 (hg19) VCF-style: chr1-43223467-A-T.
Other names: c.1067T>A, p.Ile356Asn (NM_001146289.2, NM_001243246.2); short protein forms I356N.
Identifiers: ClinVar variation 1042705 (VCV001042705.6), dbSNP rs1184804170, ClinGen allele CA339958759.